The following is an entry in ClinVar:

NM_024675.4(PALB2):c.2587-9T>C

Gene: PALB2 (partner and localizer of BRCA2; minus strand). Cytogenetic location: 16p12.2.
Variant type: single nucleotide variant.
Coding change: c.2587-9T>C on transcript NM_024675.4 (MANE Select); 9 bases into the intron before coding-DNA position 2587, T replaced by C.
Molecular consequence: intron variant.
Genome position (GRCh38, 1-based): chr16:23,626,406, A>G on the plus strand (T>C on the coding strand, the complement: PALB2 is on the minus strand). VCF-style: chr16-23626406-A-G. GRCh37 (hg19) VCF-style: chr16-23637727-A-G.
Identifiers: ClinVar variation 631341 (VCV000631341.15), dbSNP rs1567215613, ClinGen allele CA494161343.
Genomic context (GRCh38, chr16:23,626,406, plus strand): 5'-CTCTTTCCCAAAACATGGCACTCACATCTACGGAACAGGAACCTGAAGGATTCTGACACA[A>G]TGGCAACAGTTCTGTTAAAGTGGCACTCGAGTGCTGTTTTATGCAAAGCATAAGTATGCA-3'

ClinVar aggregate classification (germline): Conflicting classifications of pathogenicity. Review status: criteria provided, conflicting classifications (1 of 4 stars). 4 submissions from 4 submitters: Uncertain significance (2); Likely benign (2). Last evaluated 2025-10-07.

Conditions:
Hereditary cancer-predisposing syndrome. Also called: Tumor predisposition; Neoplastic Syndromes, Hereditary; Hereditary neoplastic syndrome; Hereditary Cancer Syndrome. Identifiers: Orphanet 140162, MedGen C0027672, MeSH D009386, MONDO:0015356.
Familial cancer of breast. Also called: hereditary breast carcinoma; BREAST CANCER, FAMILIAL; Hereditary breast cancer. Identifiers: Orphanet 227535, MedGen C0346153, MONDO:0016419, OMIM 114480. Disease mechanism: loss of function.

Submissions (4):

Labcorp Genetics (formerly Invitae), Labcorp
Classification: Likely benign for Familial cancer of breast. Last evaluated: 2025-10-07. Review status: criteria provided, single submitter. Criteria: Invitae Variant Classification Sherloc (09022015). Collection method: clinical testing. Allele origin: germline.

Myriad Genetics, Inc.
Classification: Likely benign for Familial cancer of breast. Last evaluated: 2025-01-17. Review status: criteria provided, single submitter. Criteria: Myriad Autosomal Dominant, Autosomal Recessive and X-Linked Classification Criteria (2023). Collection method: clinical testing. Allele origin: unknown.
Comment: This variant is considered likely benign. This variant is intronic and is not expected to impact mRNA splicing.

Quest Diagnostics Nichols Institute San Juan Capistrano
Classification: Uncertain significance. Last evaluated: 2023-09-12. Review status: criteria provided, single submitter. Criteria: Quest Diagnostics criteria. Collection method: clinical testing. Allele origin: unknown.
Comment: In the published literature, this variant has been reported in an individual/family with hereditary breast and/or ovarian cancer (PMID: 35610400 (2022)). This variant has not been reported in large, multi-ethnic general populations (Genome Aggregation Database). Analysis of this variant using software algorithms for the prediction of the effect of nucleotide changes on PALB2 mRNA splicing yielded inconclusive findings . Based on the available information, we are unable to determine the clinical significance of this variant.

Color Diagnostics, LLC DBA Color Health
Classification: Uncertain significance for Hereditary cancer-predisposing syndrome. Last evaluated: 2018-08-15. Review status: criteria provided, single submitter. Criteria: ACMG Guidelines, 2015. Collection method: clinical testing. Allele origin: germline.

Literature cited by the submitters: PubMed 35610400 (cited by Quest Diagnostics Nichols Institute San Juan Capistrano).